The following is an entry in ClinVar:

ClinVar aggregate classification (germline): Likely benign. Review status: criteria provided, single submitter (1 of 4 stars). 2 submissions from 2 submitters: Likely benign (1). 1 of the submissions does not count toward it. Last evaluated 2024-05-01.

Conditions:
DNAH2-related disorder. Also called: DNAH2-related condition.

Allele frequency attached by ClinVar (database versions not stated): 1000 Genomes Project 30x 0.00062; 1000 Genomes Project 0.00080; TOPMed 0.00147; ESP Exome Variant Server 0.00200; gnomAD exomes 0.00219; ExAC 0.00285; gnomAD 0.00293.
gnomAD v4.1: 3,611 of 1,614,114 alleles (0.22%); highest among the groups gnomAD compares: Non-Finnish European, 0.22%; 12 homozygotes.

Submissions (2):

CeGaT Center for Human Genetics Tuebingen
Classification: Likely benign. Last evaluated: 2024-05-01. Review status: criteria provided, single submitter. Criteria: CeGaT Center For Human Genetics Tuebingen Variant Classification Criteria Version 2. Collection method: clinical testing. Allele origin: germline. Affected: yes. Observed: 4 variant alleles.
Comment: DNAH2: BP4, BP7

PreventionGenetics, part of Exact Sciences
Classification: Benign for DNAH2-related condition. Last evaluated: 2019-04-29. Review status: no assertion criteria provided. Collection method: clinical testing. Allele origin: germline. Not counted in ClinVar's aggregate classification.
Comment: This variant is classified as benign based on ACMG/AMP sequence variant interpretation guidelines (Richards et al. 2015 PMID: 25741868, with internal and published modifications).

NM_020877.5(DNAH2):c.8445G>A (p.Thr2815=)

Gene: DNAH2 (dynein axonemal heavy chain 2; plus strand). Cytogenetic location: 17p13.1.
Variant type: single nucleotide variant.
Coding change: c.8445G>A on transcript NM_020877.5 (MANE Select); coding-DNA position 8445, G replaced by A.
Protein change: p.Thr2815=; no amino-acid change (threonine 2815 retained).
Molecular consequence: synonymous variant.
Genome position (GRCh38, 1-based): chr17:7,798,604, G>A. VCF-style: chr17-7798604-G-A. GRCh37 (hg19) VCF-style: chr17-7701922-G-A.
Other names: c.8445G>A (NM_020877.3).
Identifiers: ClinVar variation 2647382 (VCV002647382.25), dbSNP rs146210717, ClinGen allele CA8358418.
Genomic context (GRCh38, chr17:7,798,604, plus strand): 5'-CCTCCCCCGGCCAGATATCAAGCGTCTGTATCGCCAGGCTGGGGTGGAGCTCAAGACCAC[G>A]TCCTTCATTTTTGTGGACACCCAAATAGCTGATGAGTCCTTCCTAGAGGACATCAACAAC-3'
Protein context (NP_065928.2, residues 2805-2825): YRQAGVELKT[Thr2815=]SFIFVDTQIA